The following is an entry in ClinVar:

NM_002150.3(HPD):c.148del (p.Leu50fs)

Genes: TIALD (transcript inducer of AURKA lysosomal degradation; plus strand), HPD (4-hydroxyphenylpyruvate dioxygenase; minus strand). Cytogenetic location: 12q24.31.
Variant type: Deletion.
Coding change: c.148del on transcript NM_002150.3 (MANE Select); coding-DNA position 148, one base deleted (C; older notation c.148delC).
Protein change: p.Leu50fs; shifts the reading frame from leucine 50.
Molecular consequence: frameshift variant.
Genome position (GRCh38, 1-based): chr12:121,857,378, G deleted on the plus strand (C on the coding strand, the reverse complement: HPD is on the minus strand); the first of 2 consecutive G bases (chr12:121,857,378-121,857,379); deleting either gives the same sequence. VCF-style (leftmost placement, unchanged base first): chr12-121857377-AG-A. GRCh37 (hg19) VCF-style: chr12-122295283-AG-A.
Other names: c.31del, p.Leu11fs (NM_001171993.2); short protein forms L50fs, L11fs.
Identifiers: ClinVar variation 2949601 (VCV002949601.3), dbSNP rs1294210561, ClinGen allele CA607927702.

ClinVar aggregate classification (germline): Pathogenic (1 of 4 stars; one submission).

Conditions:
Hawkinsinuria. Identifiers: Orphanet 2118, MedGen C2931042, MONDO:0007700, OMIM 140350, HP:0034457.
Tyrosinemia type III. Also called: Tyrosinemia type 3; 4-alpha hydroxyphenylpyruvic acid oxidase deficiency; 4-alpha hydroxyphenylpyruvate dioxygenase deficiency; 4-Hydroxyphenylpyruvate dioxygenase deficiency; 4-HYDROXYPHENYLPYRUVIC ACID OXIDASE DEFICIENCY. Identifiers: Orphanet 69723, MedGen C0268623, MONDO:0010162, OMIM 276710.

Submission:

Labcorp Genetics (formerly Invitae), Labcorp
Classification: Pathogenic for Tyrosinemia type III; Hawkinsinuria. Last evaluated: 2023-07-07. Review status: criteria provided, single submitter. Criteria: Invitae Variant Classification Sherloc (09022015). Collection method: clinical testing. Allele origin: germline.
Comment: This sequence change creates a premature translational stop signal (p.Leu50Trpfs*12) in the HPD gene. It is expected to result in an absent or disrupted protein product. Loss-of-function variants in HPD are known to be pathogenic (PMID: 10942115, 23036342). This variant is present in population databases (no rsID available, gnomAD 0.006%). This variant has not been reported in the literature in individuals affected with HPD-related conditions. Algorithms developed to predict the effect of sequence changes on RNA splicing suggest that this variant may disrupt the consensus splice site. For these reasons, this variant has been classified as Pathogenic.

Literature cited by the submitters: PubMed 10942115; PubMed 23036342.